The following is an entry in ClinVar:

NM_014444.5(TUBGCP4):c.1644T>A (p.Asn548Lys)

Gene: TUBGCP4 (tubulin gamma complex component 4; plus strand). Cytogenetic location: 15q15.3.
Variant type: single nucleotide variant.
Coding change: c.1644T>A on transcript NM_014444.5 (MANE Select); coding-DNA position 1644, T replaced by A.
Protein change: p.Asn548Lys; replaces asparagine 548 with lysine.
Molecular consequence: missense variant.
Genome position (GRCh38, 1-based): chr15:43,401,763, T>A. VCF-style: chr15-43401763-T-A. GRCh37 (hg19) VCF-style: chr15-43693961-T-A.
Other names: c.1647T>A, p.Asn549Lys (NM_001286414.3); short protein forms N548K, N549K.
Identifiers: ClinVar variation 1462974 (VCV001462974.8), dbSNP rs2142883842, ClinGen allele CA392137590.

ClinVar aggregate classification (germline): Uncertain significance (1 of 4 stars; one submission).

Submission:

Labcorp Genetics (formerly Invitae), Labcorp
Classification: Uncertain significance. Last evaluated: 2022-07-25. Review status: criteria provided, single submitter. Criteria: Invitae Variant Classification Sherloc (09022015). Collection method: clinical testing. Allele origin: germline.
Comment: This sequence change replaces asparagine, which is neutral and polar, with lysine, which is basic and polar, at codon 549 of the TUBGCP4 protein (p.Asn549Lys). In summary, the available evidence is currently insufficient to determine the role of this variant in disease. Therefore, it has been classified as a Variant of Uncertain Significance. Algorithms developed to predict the effect of missense changes on protein structure and function (SIFT, PolyPhen-2, Align-GVGD) all suggest that this variant is likely to be tolerated. ClinVar contains an entry for this variant (Variation ID: 1462974). This variant has not been reported in the literature in individuals affected with TUBGCP4-related conditions. This variant is not present in population databases (gnomAD no frequency).